The following is an entry in ClinVar:

NM_138691.3(TMC1):c.797T>C (p.Ile266Thr)

Gene: TMC1 (transmembrane channel like 1; plus strand). Cytogenetic location: 9q21.13.
Variant type: single nucleotide variant.
Coding change: c.797T>C on transcript NM_138691.3 (MANE Select); coding-DNA position 797, T replaced by C.
Protein change: p.Ile266Thr; replaces isoleucine 266 with threonine.
Molecular consequence: missense variant.
Genome position (GRCh38, 1-based): chr9:72,772,468, T>C. VCF-style: chr9-72772468-T-C. GRCh37 (hg19) VCF-style: chr9-75387384-T-C.
Other names: short protein forms I266T.
Identifiers: ClinVar variation 1185098 (VCV001185098.9), dbSNP rs747645756, ClinGen allele CA5081793.

ClinVar aggregate classification (germline): Conflicting classifications of pathogenicity. Review status: criteria provided, conflicting classifications (1 of 4 stars). 4 submissions from 4 submitters: Likely pathogenic (2); Uncertain significance (1). 1 of the submissions does not count toward it. Last evaluated 2024-05-14.

Conditions:
Nonsyndromic genetic hearing loss. Also called: Nonsyndromic genetic deafness; Non-syndromic genetic deafness; Nonsyndromic hearing loss and deafness. Identifiers: Orphanet 87884, MedGen C5680182, MONDO:0019497.
Autosomal dominant nonsyndromic hearing loss 36. Identifiers: Orphanet 90635, MedGen C1847626, MONDO:0011708, OMIM 606705.
Autosomal recessive nonsyndromic hearing loss 7. Also called: DEAFNESS, AUTOSOMAL RECESSIVE 11. Identifiers: Orphanet 90636, MedGen C1832978, MONDO:0010967, OMIM 600974.

Allele frequency attached by ClinVar (database versions not stated): ExAC 0.00001; gnomAD 0.00001 and 0.00002; gnomAD exomes 0.00001; TOPMed 0.00002.
gnomAD v4.1: 13 of 1,613,808 alleles (0.00081%); highest among the groups gnomAD compares: East Asian, 0.027%; no homozygotes.

Submissions (4):

Fulgent Genetics
Classification: Likely pathogenic for Autosomal recessive nonsyndromic hearing loss 7; Autosomal dominant nonsyndromic hearing loss 36. Last evaluated: 2024-05-14. Review status: criteria provided, single submitter. Criteria: ACMG Guidelines, 2015. Collection method: clinical testing. Allele origin: germline.

Women's Health and Genetics/Laboratory Corporation of America, LabCorp
Classification: Likely pathogenic for Nonsyndromic genetic hearing loss. Last evaluated: 2024-05-13. Review status: criteria provided, single submitter. Criteria: LabCorp Variant Classification Summary - May 2015. Collection method: clinical testing. Allele origin: germline.
Comment: Variant summary: TMC1 c.797T>C (p.Ile266Thr) results in a non-conservative amino acid change in the encoded protein sequence. Four of five in-silico tools predict a damaging effect of the variant on protein function. The variant allele was found at a frequency of 8e-06 in 251372 control chromosomes. c.797T>C has been reported in the literature in a homozygous- (Wang_2018) and two compound heterozygous (Guan_2021) individuals affected with Nonsyndromic Hearing Loss (NSHL), in addition, the variant was also reported in heterozygous sate (i.e without a 2nd variant identified) in patients affected with NSHL (e.g. Sloan-Heggen_2016, Ma_2023). These data indicate that the variant is likely to be associated with disease. The following publications have been ascertained in the context of this evaluation (PMID: 26969326, 36597107, 34416374, 29654653). ClinVar contains an entry for this variant (Variation ID: 1185098). Based on the evidence outlined above, the variant was classified as likely pathogenic.

Juno Genomics, Hangzhou Juno Genomics, Inc
Classification: Uncertain significance for Autosomal recessive nonsyndromic hearing loss 7. Review status: criteria provided, single submitter. Criteria: ACMG Guidelines, 2015. Collection method: clinical testing. Allele origin: germline.
Comment: Absent from controls (or at extremely low frequency if recessive) in Genome Aggregation Database.;For recessive disorders, detected in trans with a pathogenic variant.

WangQJ Lab, Chinese People's Liberation Army General Hospital
Classification: Pathogenic for Autosomal recessive nonsyndromic hearing loss 7. Last evaluated: 2021-07-01. Review status: no assertion criteria provided. Collection method: clinical testing. Allele origin: paternal. Affected: yes. Not counted in ClinVar's aggregate classification.

Literature cited by the submitters: PubMed 26969326 (cited by Women's Health and Genetics/Laboratory Corporation of America, LabCorp); PubMed 34416374 (cited by Women's Health and Genetics/Laboratory Corporation of America, LabCorp); PubMed 29654653 (cited by Women's Health and Genetics/Laboratory Corporation of America, LabCorp); PubMed 36597107 (cited by Women's Health and Genetics/Laboratory Corporation of America, LabCorp).